The following is an entry in ClinVar:

ClinVar aggregate classification (germline): Uncertain significance (1 of 4 stars; one submission).

Allele frequency attached by ClinVar (database versions not stated): gnomAD exomes below 0.00001.
gnomAD v4.1: 2 of 1,613,320 alleles (0.00012%); highest among the groups gnomAD compares: Non-Finnish European, 0.00017%; no homozygotes.

Submission:

Labcorp Genetics (formerly Invitae), Labcorp
Classification: Uncertain significance. Last evaluated: 2022-02-08. Review status: criteria provided, single submitter. Criteria: Invitae Variant Classification Sherloc (09022015). Collection method: clinical testing. Allele origin: germline.
Comment: This sequence change replaces valine, which is neutral and non-polar, with methionine, which is neutral and non-polar, at codon 1684 of the SNRNP200 protein (p.Val1684Met). This variant is not present in population databases (gnomAD no frequency). This variant has not been reported in the literature in individuals affected with SNRNP200-related conditions. Algorithms developed to predict the effect of missense changes on protein structure and function (SIFT, PolyPhen-2, Align-GVGD) all suggest that this variant is likely to be tolerated. In summary, the available evidence is currently insufficient to determine the role of this variant in disease. Therefore, it has been classified as a Variant of Uncertain Significance.

NM_014014.5(SNRNP200):c.5050G>A (p.Val1684Met)

Genes: SNRNP200 (small nuclear ribonucleoprotein U5 subunit 200; minus strand), LOC126806272 (BRD4-independent group 4 enhancer GRCh37_chr2:96944520-96945719; plus strand). Cytogenetic location: 2q11.2.
Variant type: single nucleotide variant.
Coding change: c.5050G>A on transcript NM_014014.5 (MANE Select); coding-DNA position 5050, G replaced by A.
Protein change: p.Val1684Met; replaces valine 1684 with methionine.
Molecular consequence: missense variant.
Genome position (GRCh38, 1-based): chr2:96,279,534, C>T on the plus strand (G>A on the coding strand, the complement: SNRNP200 is on the minus strand). VCF-style: chr2-96279534-C-T. GRCh37 (hg19) VCF-style: chr2-96945272-C-T.
Other names: short protein forms V1684M.
Identifiers: ClinVar variation 1925840 (VCV001925840.5), dbSNP rs2467315361, ClinGen allele CA347661069.
Genomic context (GRCh38, chr2:96,279,534, plus strand): 5'-TGACACAGCGCCCCTCATCGTCCTGCAAAGGGCGGTTGGCGTGGCCCACCATCTGAAGCA[C>T]GTCATAGATGGGGTAATCCACATAGCTGGTGACAGAAGCAGGGAAAGAAGGAAAAGCCAC-3'
Protein context (NP_054733.2, residues 1674-1694): HAYVDYPIYD[Val1684Met]LQMVGHANRP